The following is an entry in ClinVar:

NM_001303052.2(MYT1L):c.3125A>T (p.Lys1042Met)

Gene: MYT1L (myelin transcription factor 1 like; minus strand). Cytogenetic location: 2p25.3.
Variant type: single nucleotide variant.
Coding change: c.3125A>T on transcript NM_001303052.2 (MANE Select); coding-DNA position 3125, A replaced by T.
Protein change: p.Lys1042Met; replaces lysine 1042 with methionine.
Molecular consequence: missense variant.
Genome position (GRCh38, 1-based): chr2:1,809,123, T>A on the plus strand (A>T on the coding strand, the complement: MYT1L is on the minus strand). VCF-style: chr2-1809123-T-A. GRCh37 (hg19) VCF-style: chr2-1812895-T-A.
Other names: c.3125A>T, p.Lys1042Met (NM_001329844.2, NM_001329845.1, NM_001329851.3); c.3119A>T, p.Lys1040Met (NM_001329846.3, NM_001329847.2, NM_001329848.1 and 3 more transcripts); short protein forms K1040M, K1042M.
Identifiers: ClinVar variation 3030028 (VCV003030028.2), dbSNP rs2550083176, ClinGen allele CA345736017.

ClinVar aggregate classification (germline): Uncertain significance (0 of 4 stars; one submission).

Conditions:
MYT1L-related disorder. Also called: MYT1L-related condition.

Submission:

PreventionGenetics, part of Exact Sciences
Classification: Uncertain significance for MYT1L-related condition. Last evaluated: 2023-10-19. Review status: no assertion criteria provided. Collection method: clinical testing. Allele origin: germline.
Comment: The MYT1L c.3125A>T variant is predicted to result in the amino acid substitution p.Lys1042Met. To our knowledge, this variant has not been reported in the literature or in a large population database, indicating this variant is rare. At this time, the clinical significance of this variant is uncertain due to the absence of conclusive functional and genetic evidence.